The following is an entry in ClinVar:

NM_000553.6(WRN):c.3100T>C (p.Tyr1034His)

Gene: WRN (WRN RecQ like helicase; plus strand). Cytogenetic location: 8p12.
Variant type: single nucleotide variant.
Coding change: c.3100T>C on transcript NM_000553.6 (MANE Select); coding-DNA position 3100, T replaced by C.
Protein change: p.Tyr1034His; replaces tyrosine 1034 with histidine.
Molecular consequence: missense variant.
Genome position (GRCh38, 1-based): chr8:31,141,562, T>C. VCF-style: chr8-31141562-T-C. GRCh37 (hg19) VCF-style: chr8-30999078-T-C.
Other names: short protein forms Y1034H.
Identifiers: ClinVar variation 458442 (VCV000458442.10), dbSNP rs1468633117, ClinGen allele CA370922354.
Genomic context (GRCh38, chr8:31,141,562, plus strand): 5'-TGGTGGAAGGCTTTTTCCCGTCAGCTGATCACTGAGGGATTCTTGGTAGAAGTTTCTCGG[T>C]ATAACAAATTTATGAAGATTTGCGCCCTTACGAAAAAGGTAAACGGTGTAGGAGTCTGCC-3'
Protein context (NP_000544.2, residues 1024-1044): TEGFLVEVSR[Tyr1034His]NKFMKICALT

ClinVar aggregate classification (germline): Uncertain significance. Review status: criteria provided, multiple submitters, no conflicts (2 of 4 stars). 3 submissions from 3 submitters: Uncertain significance (3). Last evaluated 2025-01-08.

Conditions:
Werner syndrome (WRN). Identifiers: Orphanet 902, MedGen C0043119, MONDO:0010196, OMIM 277700.
Inborn genetic diseases. Identifiers: MedGen C0950123, MeSH D030342.

Allele frequency attached by ClinVar (database versions not stated): gnomAD 0.00001; gnomAD exomes 0.00001 and 0.00004.
gnomAD v4.1: 53 of 1,614,056 alleles (0.0033%); highest among the groups gnomAD compares: Non-Finnish European, 0.0043%; no homozygotes.

Submissions (3):

Ambry Genetics
Classification: Uncertain significance for Inborn genetic diseases. Last evaluated: 2025-01-08. Review status: criteria provided, single submitter. Criteria: Ambry Variant Classification Scheme 2023. Collection method: clinical testing. Allele origin: germline.

Labcorp Genetics (formerly Invitae), Labcorp
Classification: Uncertain significance for Werner syndrome. Last evaluated: 2024-09-27. Review status: criteria provided, single submitter. Criteria: Invitae Variant Classification Sherloc (09022015). Collection method: clinical testing. Allele origin: germline.
Comment: This sequence change replaces tyrosine, which is neutral and polar, with histidine, which is basic and polar, at codon 1034 of the WRN protein (p.Tyr1034His). The frequency data for this variant in the population databases is considered unreliable, as metrics indicate poor data quality at this position in the gnomAD database. This variant has not been reported in the literature in individuals affected with WRN-related conditions. ClinVar contains an entry for this variant (Variation ID: 458442). An algorithm developed to predict the effect of missense changes on protein structure and function outputs the following: PolyPhen-2: "Benign". The histidine amino acid residue is found in multiple mammalian species, which suggests that this missense change does not adversely affect protein function. In summary, the available evidence is currently insufficient to determine the role of this variant in disease. Therefore, it has been classified as a Variant of Uncertain Significance.

GeneDx
Classification: Uncertain significance. Last evaluated: 2019-11-27. Review status: criteria provided, single submitter. Criteria: GeneDx Variant Classification Process June 2021. Collection method: clinical testing. Allele origin: germline. Affected: yes.
Comment: Has not been previously published as pathogenic or benign to our knowledge; Not observed at a significant frequency in large population cohorts (Lek 2016); In silico analysis, which includes protein predictors and evolutionary conservation, supports that this variant does not alter protein structure/function